The following is an entry in ClinVar:

ClinVar aggregate classification (germline): Uncertain significance (1 of 4 stars; one submission).

Allele frequency attached by ClinVar (database versions not stated): gnomAD exomes below 0.00001.
gnomAD v4.1: 1 of 1,614,208 alleles (0.000062%); highest among the groups gnomAD compares: Non-Finnish European, 0.000085%; no homozygotes.

Submission:

Labcorp Genetics (formerly Invitae), Labcorp
Classification: Uncertain significance. Last evaluated: 2022-10-25. Review status: criteria provided, single submitter. Criteria: Invitae Variant Classification Sherloc (09022015). Collection method: clinical testing. Allele origin: germline.
Comment: In summary, the available evidence is currently insufficient to determine the role of this variant in disease. Therefore, it has been classified as a Variant of Uncertain Significance. Algorithms developed to predict the effect of missense changes on protein structure and function are either unavailable or do not agree on the potential impact of this missense change (SIFT: "Deleterious"; PolyPhen-2: "Probably Damaging"; Align-GVGD: "Class C15"). This sequence change replaces glutamic acid, which is acidic and polar, with lysine, which is basic and polar, at codon 787 of the RNF31 protein (p.Glu787Lys). This variant is present in population databases (no rsID available, gnomAD 0.0009%). This variant has not been reported in the literature in individuals affected with RNF31-related conditions. ClinVar contains an entry for this variant (Variation ID: 1525123).

NM_017999.5(RNF31):c.2359G>A (p.Glu787Lys)

Gene: RNF31 (ring finger protein 31; plus strand). Cytogenetic location: 14q12.
Variant type: single nucleotide variant.
Coding change: c.2359G>A on transcript NM_017999.5 (MANE Select); coding-DNA position 2359, G replaced by A.
Protein change: p.Glu787Lys; replaces glutamic acid 787 with lysine.
Molecular consequence: missense variant.
Genome position (GRCh38, 1-based): chr14:24,155,468, G>A. VCF-style: chr14-24155468-G-A. GRCh37 (hg19) VCF-style: chr14-24624677-G-A.
Other names: c.1906G>A, p.Glu636Lys (NM_001310332.2); short protein forms E636K, E787K.
Identifiers: ClinVar variation 1525123 (VCV001525123.8), dbSNP rs1287011601, ClinGen allele CA389302600.